The following is an entry in ClinVar:

ClinVar aggregate classification (germline): Uncertain significance (1 of 4 stars; one submission).

Conditions:
Congenital neutropenia-myelofibrosis-nephromegaly syndrome. Also called: Severe congenital neutropenia 5, autosomal recessive. Identifiers: Orphanet 369852, MedGen C3809031, MONDO:0014118, OMIM 615285.

Submission:

Labcorp Genetics (formerly Invitae), Labcorp
Classification: Uncertain significance for Congenital neutropenia-myelofibrosis-nephromegaly syndrome. Last evaluated: 2021-09-15. Review status: criteria provided, single submitter. Criteria: Invitae Variant Classification Sherloc (09022015). Collection method: clinical testing. Allele origin: germline.
Comment: In summary, the available evidence is currently insufficient to determine the role of this variant in disease. Therefore, it has been classified as a Variant of Uncertain Significance. Algorithms developed to predict the effect of missense changes on protein structure and function are either unavailable or do not agree on the potential impact of this missense change (SIFT: "Tolerated"; PolyPhen-2: "Possibly Damaging"; Align-GVGD: "Class C0"). This variant has not been reported in the literature in individuals affected with VPS45-related conditions. This variant is not present in population databases (ExAC no frequency). This sequence change replaces proline with arginine at codon 526 of the VPS45 protein (p.Pro526Arg). The proline residue is moderately conserved and there is a moderate physicochemical difference between proline and arginine.

NM_007259.5(VPS45):c.1577C>G (p.Pro526Arg)

Gene: VPS45 (vacuolar protein sorting 45 homolog; plus strand). Cytogenetic location: 1q21.2.
Variant type: single nucleotide variant.
Coding change: c.1577C>G on transcript NM_007259.5 (MANE Select); coding-DNA position 1577, C replaced by G.
Protein change: p.Pro526Arg; replaces proline 526 with arginine.
Molecular consequence: missense variant. On other transcripts: non-coding transcript variant (1).
Genome position (GRCh38, 1-based): chr1:150,110,579, C>G. VCF-style: chr1-150110579-C-G. GRCh37 (hg19) VCF-style: chr1-150082694-C-G.
Other names: c.1262C>G, p.Pro421Arg (NM_001279353.2); c.1469C>G, p.Pro490Arg (NM_001279354.2); short protein forms P421R, P490R, P526R.
Identifiers: ClinVar variation 1381171 (VCV001381171.4), dbSNP rs2101609044, ClinGen allele CA342264242.